The following is an entry in ClinVar:

NM_002230.4(JUP):c.2046+169T>C

Gene: JUP (junction plakoglobin; minus strand). Cytogenetic location: 17q21.2.
Variant type: single nucleotide variant.
Coding change: c.2046+169T>C on transcript NM_002230.4 (MANE Select); 169 bases into the intron after coding-DNA position 2046, T replaced by C.
Molecular consequence: intron variant.
Genome position (GRCh38, 1-based): chr17:41,757,246, A>G on the plus strand (T>C on the coding strand, the complement: JUP is on the minus strand). VCF-style: chr17-41757246-A-G. GRCh37 (hg19) VCF-style: chr17-39913498-A-G.
Other names: c.2046+169T>C (NM_001352774.2, NM_021991.4, NM_001352776.2 and 3 more transcripts).
Identifiers: ClinVar variation 675359 (VCV000675359.1), dbSNP rs77588113, ClinGen allele CA290695391.

ClinVar aggregate classification (germline): Benign (1 of 4 stars; one submission).

Allele frequency attached by ClinVar (database versions not stated): gnomAD 0.01852 and 0.01928; TOPMed 0.02192; 1000 Genomes Project 0.02436; 1000 Genomes Project 30x 0.02561.
gnomAD v4.1: 2,808 of 152,352 alleles (1.8%); highest among the groups gnomAD compares: African/African-American, 5.8%; 83 homozygotes.

Submission:

GeneDx
Classification: Benign. Last evaluated: 2018-06-19. Review status: criteria provided, single submitter. Criteria: GeneDx Variant Classification (06012015). Collection method: clinical testing. Allele origin: germline. Affected: yes.
Comment: This variant is considered likely benign or benign based on one or more of the following criteria: it is a conservative change, it occurs at a poorly conserved position in the protein, it is predicted to be benign by multiple in silico algorithms, and/or has population frequency not consistent with disease.